The following is an entry in ClinVar:

ClinVar aggregate classification (germline): Uncertain significance (1 of 4 stars; one submission).

Allele frequency attached by ClinVar (database versions not stated): gnomAD exomes below 0.00001.
gnomAD v4.1: 1 of 1,611,378 alleles (0.000062%); highest among the groups gnomAD compares: Non-Finnish European, 0.000085%; no homozygotes.

Submission:

Labcorp Genetics (formerly Invitae), Labcorp
Classification: Uncertain significance. Last evaluated: 2024-08-13. Review status: criteria provided, single submitter. Criteria: Invitae Variant Classification Sherloc (09022015). Collection method: clinical testing. Allele origin: germline.
Comment: This sequence change replaces glycine, which is neutral and non-polar, with serine, which is neutral and polar, at codon 674 of the RUSC2 protein (p.Gly674Ser). This variant is not present in population databases (gnomAD no frequency). This variant has not been reported in the literature in individuals affected with RUSC2-related conditions. ClinVar contains an entry for this variant (Variation ID: 1377416). An algorithm developed to predict the effect of missense changes on protein structure and function outputs the following: PolyPhen-2: "Benign". The serine amino acid residue is found in multiple mammalian species, which suggests that this missense change does not adversely affect protein function. In summary, the available evidence is currently insufficient to determine the role of this variant in disease. Therefore, it has been classified as a Variant of Uncertain Significance.

NM_014806.5(RUSC2):c.2020G>A (p.Gly674Ser)

Gene: RUSC2 (RUN and SH3 domain containing 2; plus strand). Cytogenetic location: 9p13.3.
Variant type: single nucleotide variant.
Coding change: c.2020G>A on transcript NM_014806.5 (MANE Select); coding-DNA position 2020, G replaced by A.
Protein change: p.Gly674Ser; replaces glycine 674 with serine.
Molecular consequence: missense variant. On other transcripts: 5 prime UTR variant (1), non-coding transcript variant (1).
Genome position (GRCh38, 1-based): chr9:35,555,065, G>A. VCF-style: chr9-35555065-G-A. GRCh37 (hg19) VCF-style: chr9-35555062-G-A.
Other names: c.2020G>A, p.Gly674Ser (NM_001135999.2); c.-615G>A (NM_001330740.2); short protein forms G674S.
Identifiers: ClinVar variation 1377416 (VCV001377416.6), dbSNP rs2131694217, ClinGen allele CA373339127.
Genomic context (GRCh38, chr9:35,555,065, plus strand): 5'-CTCATATGGGTTTCAGTGTCTGTCTACTGATTTCTTCTCCATCCCTTTGCTACAGGGGGT[G>A]GCACCGAGAGCCGACCAGTCCTTCGCTACAGCAAGGAACAGAGGCCAACCACACTGCCCA-3'
Protein context (NP_055621.2, residues 664-684): RDARARADGG[Gly674Ser]TESRPVLRYS